The following is an entry in ClinVar:

NM_000152.5(GAA):c.840_842dup (p.Arg281dup)

Gene: GAA (alpha glucosidase; plus strand). Cytogenetic location: 17q25.3.
Variant type: Duplication.
Coding change: c.840_842dup on transcript NM_000152.5 (MANE Select); coding-DNA positions 840 to 842, 3 bases duplicated (CCG; older notation c.840_842dupCCG).
Protein change: p.Arg281dup; duplicates arginine 281.
Molecular consequence: inframe insertion.
Genome position (GRCh38, 1-based): chr17:80,107,704-80,107,706, CCG duplicated. VCF-style (leftmost placement, unchanged base first): chr17-80107703-A-ACCG. GRCh37 (hg19) VCF-style: chr17-78081502-A-ACCG.
Other names: c.840_842dup, p.Arg281dup (NM_001079803.3, NM_001079804.3).
Identifiers: ClinVar variation 1041675 (VCV001041675.11), dbSNP rs2039123030, ClinGen allele CA658683065.
Genomic context (GRCh38, chr17:80,107,703, plus strand): 5'-TCGCCGAGCACCTCAGTCCCCTGATGCTCAGCACCAGCTGGACCAGGATCACCCTGTGGA[A>ACCG]CCGGGACCTTGCGCCCACGGTACAGCGGCGGGCGGCGGGCGGGGGCACTGAGCTGGGGAG-3'

ClinVar aggregate classification (germline): Uncertain significance. Review status: criteria provided, multiple submitters, no conflicts (2 of 4 stars). 2 submissions from 2 submitters: Uncertain significance (2). Last evaluated 2026-07-01.

Conditions:
Glycogen storage disease, type II (IOPD). Also called: CARDIOMEGALIA GLYCOGENICA DIFFUSA; GLYCOGENOSIS, GENERALIZED, CARDIAC FORM; GSD II; Glycogen storage disease type 2; Acid maltase deficiency disease; Aglucosidase alfa. Identifiers: Orphanet 365, MedGen C0017921, MONDO:0009290, OMIM 232300.

Submissions (2):

Genomenon, Inc
Classification: Uncertain significance for Glycogen storage disease, type II. Last evaluated: 2026-07-01. Review status: criteria provided, single submitter. Criteria: Genomenon Sequence Variant Interpretation Standards - Updated. Collection method: curation. Allele origin: germline. Affected: yes.
Comment: GAA p.Arg281dup (c.840_842dup) is an in-frame duplication variant that results in the duplication of Arginine at codon 281. This variant has been observed in at least one proband with a GAA-related disorder in the compound heterozygous and/or homozygous state (PMID:36299500). It is absent or not present at a significant frequency in gnomAD. In conclusion, we classify GAA p.Arg281dup (c.840_842dup) as a variant of uncertain significance.

Labcorp Genetics (formerly Invitae), Labcorp
Classification: Uncertain significance for Glycogen storage disease, type II. Last evaluated: 2020-02-18. Review status: criteria provided, single submitter. Criteria: Invitae Variant Classification Sherloc (09022015). Collection method: clinical testing. Allele origin: germline.
Comment: This variant, c.840_842dup, results in the insertion of 1 amino acid(s) to the GAA protein (p.Arg281dup), but otherwise preserves the integrity of the reading frame. This variant is not present in population databases (ExAC no frequency). This variant has not been reported in the literature in individuals with GAA-related conditions. Experimental studies and prediction algorithms are not available or were not evaluated, and the functional significance of this variant is currently unknown. In summary, the available evidence is currently insufficient to determine the role of this variant in disease. Therefore, it has been classified as a Variant of Uncertain Significance.

Literature cited by the submitters: PubMed 36299500 (cited by Genomenon, Inc).